The following is an entry in ClinVar:

ClinVar aggregate classification (germline): Uncertain significance (1 of 4 stars; one submission).

Conditions:
COL4A6-related disorder. Also called: COL4A6-related condition.

Submission:

PreventionGenetics, part of Exact Sciences
Classification: Uncertain significance for COL4A6-related condition. Last evaluated: 2023-06-28. Review status: criteria provided, single submitter. Criteria: ACMG Guidelines, 2015. Collection method: clinical testing. Allele origin: germline.
Comment: The COL4A6 c.3556delC variant is predicted to result in a frameshift and premature protein termination (p.His1186Metfs*39). To our knowledge, this variant has not been reported in the literature or in a large population database, indicating this variant is rare. Of note, loss of function variants in COL4A6 have not commonly been reported. At this time, the clinical significance of this variant is uncertain due to the absence of conclusive functional and genetic evidence.

NM_033641.4(COL4A6):c.3553del (p.His1185fs)

Gene: COL4A6 (collagen type IV alpha 6 chain; minus strand). Cytogenetic location: Xq22.3.
Variant type: Deletion.
Coding change: c.3553del on transcript NM_033641.4 (MANE Select); coding-DNA position 3553, one base deleted (C; older notation c.3553delC).
Protein change: p.His1185fs; shifts the reading frame from histidine 1185.
Molecular consequence: frameshift variant. On other transcripts: intron variant (2).
Genome position (GRCh38, 1-based): chrX:108,169,957, G deleted on the plus strand (C on the coding strand, the reverse complement: COL4A6 is on the minus strand); the first of 3 consecutive G bases (chrX:108,169,957-108,169,959); deleting any one gives the same sequence. VCF-style (leftmost placement, unchanged base first): chrX-108169956-TG-T. GRCh37 (hg19) VCF-style: chrX-107413186-TG-T.
Other names: c.3604del, p.His1202fs (NM_001287758.2); c.3556del, p.His1186fs (NM_001847.4); c.3494-337del (NM_001287760.2, NM_001287759.2); short protein forms H1185fs, H1186fs, H1202fs.
Identifiers: ClinVar variation 2632716 (VCV002632716.1), dbSNP rs2034252853, ClinGen allele CA2450546113.